The following is an entry in ClinVar:

NM_001114753.3(ENG):c.1428+1G>A

Genes: ENG (endoglin; minus strand), LOC102723566 (uncharacterized LOC102723566; plus strand). Cytogenetic location: 9q34.11.
Variant type: single nucleotide variant.
Coding change: c.1428+1G>A on transcript NM_001114753.3 (MANE Select); the canonical splice donor site of the intron after coding-DNA position 1428, G replaced by A.
Molecular consequence: splice donor variant.
Genome position (GRCh38, 1-based): chr9:127,818,715, C>T on the plus strand (G>A on the coding strand, the complement: ENG is on the minus strand). VCF-style: chr9-127818715-C-T. GRCh37 (hg19) VCF-style: chr9-130580994-C-T.
Other names: c.1428+1G>A (NM_001114753.1, NM_001114753.2, NM_000118.4); c.882+1G>A (NM_001278138.2).
Identifiers: ClinVar variation 213216 (VCV000213216.30), dbSNP rs863223542, ClinGen allele CA322731.

ClinVar aggregate classification (germline): Pathogenic/Likely pathogenic. Review status: criteria provided, multiple submitters, no conflicts (2 of 4 stars). 7 submissions from 7 submitters: Pathogenic (6); Likely pathogenic (1). Last evaluated 2026-01-17.

Conditions:
Hereditary hemorrhagic telangiectasia (HHT). Also called: Osler hemorrhagic telangiectasia syndrome; ORW DISEASE; Osler Weber Rendu syndrome; OSLER-RENDU-WEBER DISEASE. Identifiers: Orphanet 774, MedGen C0039445, MONDO:0019180. Disease mechanism: loss of function.
ENG-related disorder. Also called: ENG-related disorders; ENG-related condition.
Cardiovascular phenotype. Identifiers: MedGen CN230736.
Telangiectasia, hereditary hemorrhagic, type 1 (HHT1). Also called: Osler Weber Rendu syndrome type 1; ENG-Related Hereditary Hemorrhagic Telangiectasia. Identifiers: Orphanet 774, MedGen C4551861, MONDO:0008535, OMIM 187300. Disease mechanism: loss of function.

Submissions (7):

Labcorp Genetics (formerly Invitae), Labcorp
Classification: Pathogenic for Hereditary hemorrhagic telangiectasia. Last evaluated: 2026-01-17. Review status: criteria provided, single submitter. Criteria: Invitae Variant Classification Sherloc (09022015). Collection method: clinical testing. Allele origin: germline.
Comment: This sequence change affects a donor splice site in intron 11 of the ENG gene. It is expected to disrupt RNA splicing. Variants that disrupt the donor or acceptor splice site typically lead to a loss of protein function (PMID: 16199547), and loss-of-function variants in ENG are known to be pathogenic (PMID: 15879500). This variant is not present in population databases (gnomAD no frequency). Disruption of this splice site has been observed in individuals with hemorrhagic telangiectasia (PMID: 21158752, 22991266; internal data). ClinVar contains an entry for this variant (Variation ID: 213216). Algorithms developed to predict the effect of sequence changes on RNA splicing suggest that this variant may disrupt the consensus splice site. For these reasons, this variant has been classified as Pathogenic.

GeneDx
Classification: Likely pathogenic. Last evaluated: 2025-12-04. Review status: criteria provided, single submitter. Criteria: GeneDx Variant Classification Process June 2021. Collection method: clinical testing. Allele origin: germline. Affected: yes.
Comment: Not observed at significant frequency in large population cohorts (gnomAD); Canonical splice site variant predicted to result in an in-frame loss of the adjacent exon in a gene for which loss of function is a known mechanism of disease; This variant is associated with the following publications: (PMID: 25525159, 22991266, 21158752)

Mayo Clinic Laboratories, Mayo Clinic
Classification: Pathogenic. Last evaluated: 2025-02-04. Review status: criteria provided, single submitter. Criteria: ACMG Guidelines, 2015. Collection method: clinical testing. Allele origin: germline. Observed: 2 variant alleles.
Comment: PM2_supporting, PS4, PVS1_strong

PreventionGenetics, part of Exact Sciences
Classification: Pathogenic for ENG-related condition. Last evaluated: 2025-01-09. Review status: criteria provided, single submitter. Criteria: ACMG Guidelines, 2015. Collection method: clinical testing. Allele origin: germline.
Comment: The ENG c.1428+1G>A variant is predicted to disrupt the GT donor site and interfere with normal splicing. This variant has been reported in multiple individuals with hereditary hemorrhagic telangiectasia (HHT) (Table S1, McDonald et al. 2011. PubMed ID: 21158752; Table S1, Nishida et al. 2012. PubMed ID: 22991266; PreventionGenetics internal data). This variant has not been reported in a large population database (gnomAD), indicating this variant is rare. Variants that disrupt the consensus splice donor site in ENG are expected to be pathogenic. This variant is interpreted as pathogenic.

Ambry Genetics
Classification: Pathogenic for Cardiovascular phenotype. Last evaluated: 2024-03-08. Review status: criteria provided, single submitter. Criteria: Ambry Variant Classification Scheme 2023. Collection method: clinical testing. Allele origin: germline.
Comment: The c.1428+1G>A intronic pathogenic mutation results from a G to A substitution one nucleotide after coding exon 11 of the ENG gene. Alterations that disrupt the canonical splice site are expected to result in aberrant splicing. In silico splice site analysis predicts that this alteration will weaken the native splice donor site. The resulting transcript is predicted to be in-frame and is not expected to trigger nonsense-mediated mRNAdecay; however, direct evidence is unavailable. The exact functional effect of the altered amino acid sequence is unknown; however, the impacted region is critical for protein function (Ambry internal data). This variant was reported in multiple individuals with features consistent with hereditary hemorrhagic telangiectasia (McDonald J, Clin. Genet. 2011;79(4):335-44; Nishida T et al. Am. J. Med. Genet. A. 2012 Nov;158A(11):2829-34). This variant is considered to be rare based on population cohorts in the Genome Aggregation Database (gnomAD). This nucleotide position is conserved in available vertebrate species. Based on the supporting evidence, this alteration is interpreted as a disease-causing mutation.

Center for Genomics, Ann and Robert H. Lurie Children's Hospital of Chicago
Classification: Pathogenic for Telangiectasia, hereditary hemorrhagic, type 1. Last evaluated: 2021-03-30. Review status: criteria provided, single submitter. Criteria: ACMG Guidelines, 2015. Collection method: clinical testing. Allele origin: germline.
Comment: ENG NM_000118.3 exon 11 c.1428+1G>A: This variant has been reported in the literature in 3 individuals with hereditary hemorrhagic telangiectasia (HHT) (McDonald 2011 PMID:21158752, Nishida 2012 PMID:22991266). This variant is not present in large control databases but is present in ClinVar (Variation ID:213216). Evolutionary conservation and computational predictive tools for this variant are limited or unavailable. Of note, this variant alters the consensus splice sequence (+/- 1,2) which is predicted to result in an absent or abnormal protein. Loss of function variants are a known mechanism of disease for this gene (Abdalla 2006 PMID:15879500, Wooderchak 2010 PMID:20412114). In summary, this variant is classified as pathogenic based on the data above.

ARUP Laboratories, Molecular Genetics and Genomics, ARUP Laboratories
Classification: Pathogenic for Telangiectasia, hereditary hemorrhagic, type 1. Last evaluated: 2020-12-30. Review status: criteria provided, single submitter. Criteria: ARUP Molecular Germline Variant Investigation Process 2021. Collection method: clinical testing. Allele origin: germline.
Comment: The ENG c.1428+1G>A variant (rs863223542) has been reported in the literature individuals affected with HHT (Nishida 2012, McDonald 2011), as well as identified by our laboratory in several affected individuals. The variant is reported in ClinVar (Variation ID: 213216) and is absent from general population databases (Exome Variant Server, Genome Aggregation Database), indicating it is not a common polymorphism. This variant disrupts the canonical splice donor site of intron 11, which is likely to negatively impact gene function. Based on available information, this variant is considered to be pathogenic. References: Nishida T et al. Brain arteriovenous malformations associated with hereditary hemorrhagic telangiectasia: gene-phenotype correlations. Am J Med Genet A. 2012 Nov;158A(11):2829-34. McDonald J et al. Molecular diagnosis in hereditary hemorrhagic telangiectasia: findings in a series tested simultaneously by sequencing and deletion/duplication analysis. Clin Genet. 2011;79(4):335-344.

Literature cited by the submitters: PubMed 16199547 (cited by Labcorp Genetics (formerly Invitae), Labcorp); PubMed 15879500 (cited by Labcorp Genetics (formerly Invitae), Labcorp); PubMed 21158752 (cited by 3 submitters); PubMed 22991266 (cited by 3 submitters).